The following is an entry in ClinVar:

ClinVar aggregate classification (germline): Likely benign. Review status: criteria provided, multiple submitters, no conflicts (2 of 4 stars). 4 submissions from 4 submitters: Likely benign (4). Last evaluated 2026-04-21.

Conditions:
Cardiovascular phenotype. Identifiers: MedGen CN230736.
Hereditary hemorrhagic telangiectasia (HHT). Also called: ORW DISEASE; Osler Weber Rendu syndrome; OSLER-RENDU-WEBER DISEASE; Osler hemorrhagic telangiectasia syndrome. Identifiers: Orphanet 774, MedGen C0039445, MONDO:0019180. Disease mechanism: loss of function.
ENG-related disorder. Also called: ENG-related condition; ENG-related disorders.

Allele frequency attached by ClinVar (database versions not stated): gnomAD exomes 0.00001; TOPMed 0.00002; ESP Exome Variant Server 0.00008.
gnomAD v4.1: 15 of 1,614,240 alleles (0.00093%); highest among the groups gnomAD compares: East Asian, 0.0045%; no homozygotes.

Submissions (4):

PreventionGenetics, part of Exact Sciences
Classification: Likely benign for ENG-related condition. Last evaluated: 2026-04-21. Review status: criteria provided, single submitter. Criteria: ACMG Guidelines, 2015. Collection method: clinical testing. Allele origin: germline.
Comment: This variant is classified as likely benign based on ACMG/AMP sequence variant interpretation guidelines (Richards et al. 2015 PMID: 25741868, with internal and published modifications).

Labcorp Genetics (formerly Invitae), Labcorp
Classification: Likely benign for Hereditary hemorrhagic telangiectasia. Last evaluated: 2025-11-15. Review status: criteria provided, single submitter. Criteria: Invitae Variant Classification Sherloc (09022015). Collection method: clinical testing. Allele origin: germline.

Ambry Genetics
Classification: Likely benign for Cardiovascular phenotype. Last evaluated: 2024-07-06. Review status: criteria provided, single submitter. Criteria: Ambry Variant Classification Scheme 2023. Collection method: clinical testing. Allele origin: germline.

Blueprint Genetics
Classification: Likely benign. Last evaluated: 2024-03-04. Review status: criteria provided, single submitter. Criteria: ACMG Guidelines, 2015. Collection method: clinical testing. Allele origin: germline.

NM_001114753.3(ENG):c.150G>A (p.Ser50=)

Gene: ENG (endoglin; minus strand). Cytogenetic location: 9q34.11.
Variant type: single nucleotide variant.
Coding change: c.150G>A on transcript NM_001114753.3 (MANE Select); coding-DNA position 150, G replaced by A.
Protein change: p.Ser50=; no amino-acid change (serine 50 retained).
Molecular consequence: synonymous variant. On other transcripts: 5 prime UTR variant (1).
Genome position (GRCh38, 1-based): chr9:127,843,163, C>T on the plus strand (G>A on the coding strand, the complement: ENG is on the minus strand). VCF-style: chr9-127843163-C-T. GRCh37 (hg19) VCF-style: chr9-130605442-C-T.
Other names: c.-397G>A (NM_001278138.2); c.150G>A, p.Ser50= (NM_001406715.1, NM_000118.4); c.150G>A (NM_001114753.1).
Identifiers: ClinVar variation 237019 (VCV000237019.13), dbSNP rs377129516, ClinGen allele CA5253221.